The following is an entry in ClinVar:

NM_006922.4(SCN3A):c.1493A>G (p.Glu498Gly)

Gene: SCN3A (sodium voltage-gated channel alpha subunit 3; minus strand). Cytogenetic location: 2q24.3.
Variant type: single nucleotide variant.
Coding change: c.1493A>G on transcript NM_006922.4 (MANE Select); coding-DNA position 1493, A replaced by G.
Protein change: p.Glu498Gly; replaces glutamic acid 498 with glycine.
Molecular consequence: missense variant.
Genome position (GRCh38, 1-based): chr2:165,146,917, T>C on the plus strand (A>G on the coding strand, the complement: SCN3A is on the minus strand). VCF-style: chr2-165146917-T-C. GRCh37 (hg19) VCF-style: chr2-166003427-T-C.
Other names: c.1493A>G, p.Glu498Gly (NM_001081676.2, NM_001081677.2); short protein forms E498G.
Identifiers: ClinVar variation 1800471 (VCV001800471.1), dbSNP rs2468363359, ClinGen allele CA349236637.
Genomic context (GRCh38, chr2:165,146,917, plus strand): 5'-CCTTTGTTGTTTCCTTCAAGGTGCTCTCTCTGTCTTCTTTTCTTCCTTCGGTTCCTCCAT[T>C]CTTTAGCACTTTTGGAACTCAACTTTGATGCTTCTGAAGAACTTTCCAACAGCTCTCCTA-3'
Protein context (NP_008853.3, residues 488-508): ASKLSSKSAK[Glu498Gly]WRNRRKKRRQ

ClinVar aggregate classification (germline): Uncertain significance (1 of 4 stars; one submission).

Allele frequency attached by ClinVar (database versions not stated): gnomAD exomes below 0.00001.
gnomAD v4.1: 1 of 1,614,092 alleles (0.000062%); highest among the groups gnomAD compares: Non-Finnish European, 0.000085%; no homozygotes.

Submission:

GeneDx
Classification: Uncertain significance. Last evaluated: 2022-05-18. Review status: criteria provided, single submitter. Criteria: GeneDx Variant Classification Process June 2021. Collection method: clinical testing. Allele origin: germline. Affected: yes.
Comment: Not observed at significant frequency in large population cohorts (gnomAD); In silico analysis supports that this missense variant has a deleterious effect on protein structure/function; Has not been previously published as pathogenic or benign to our knowledge